The following is an entry in ClinVar:

NM_000448.3(RAG1):c.1010C>G (p.Pro337Arg)

Gene: RAG1 (recombination activating 1; plus strand). Cytogenetic location: 11p12.
Variant type: single nucleotide variant.
Coding change: c.1010C>G on transcript NM_000448.3 (MANE Select); coding-DNA position 1010, C replaced by G.
Protein change: p.Pro337Arg; replaces proline 337 with arginine.
Molecular consequence: missense variant.
Genome position (GRCh38, 1-based): chr11:36,574,314, C>G. VCF-style: chr11-36574314-C-G. GRCh37 (hg19) VCF-style: chr11-36595864-C-G.
Other names: c.1010C>G, p.Pro337Arg (NM_001377277.1, NM_001377278.1, NM_001377279.1 and 1 more transcripts); short protein forms P337R.
Identifiers: ClinVar variation 1355179 (VCV001355179.8), dbSNP rs2133294914, ClinGen allele CA380151004.
Genomic context (GRCh38, chr11:36,574,314, plus strand): 5'-TTCTCAGATGCCTCAAAGTCATGGGCAGCTATTGTCCCTCTTGCCGATATCCATGCTTCC[C>G]TACTGACCTGGAGAGTCCAGTGAAGTCCTTTCTGAGCGTCTTGAATTCCCTGATGGTGAA-3'
Protein context (NP_000439.2, residues 327-347): YCPSCRYPCF[Pro337Arg]TDLESPVKSF

ClinVar aggregate classification (germline): Uncertain significance (1 of 4 stars; one submission).

Conditions:
Severe combined immunodeficiency, autosomal recessive, T cell-negative, B cell-negative, NK cell-positive. Also called: SCID, AR, T-cell negative, B-cell negative, NK cell-positive; SCID, T CELL-NEGATIVE, B CELL-NEGATIVE, NK CELL-POSITIVE; Severe combined immunodeficiency due to complete RAG1/2 deficiency. Identifiers: Orphanet 331206, MedGen C1832322, MONDO:0011086, OMIM 601457.
Combined immunodeficiency with skin granulomas. Identifiers: Orphanet 157949, MedGen C2673536, MONDO:0009306, OMIM 233650.

Submission:

Labcorp Genetics (formerly Invitae), Labcorp
Classification: Uncertain significance for Combined immunodeficiency with skin granulomas; Severe combined immunodeficiency, autosomal recessive, T cell-negative, B cell-negative, NK cell-positive. Last evaluated: 2021-04-08. Review status: criteria provided, single submitter. Criteria: Invitae Variant Classification Sherloc (09022015). Collection method: clinical testing. Allele origin: germline.
Comment: This variant is not present in population databases (ExAC no frequency). This variant has not been reported in the literature in individuals with RAG1-related conditions. Algorithms developed to predict the effect of missense changes on protein structure and function (SIFT, PolyPhen-2, Align-GVGD) all suggest that this variant is likely to be tolerated, but these predictions have not been confirmed by published functional studies and their clinical significance is uncertain. In summary, the available evidence is currently insufficient to determine the role of this variant in disease. Therefore, it has been classified as a Variant of Uncertain Significance. This sequence change replaces proline with arginine at codon 337 of the RAG1 protein (p.Pro337Arg). The proline residue is moderately conserved and there is a moderate physicochemical difference between proline and arginine.